The following is an entry in ClinVar:

NM_182972.3(IRF2BP2):c.295C>G (p.Leu99Val)

Genes: IRF2BP2 (interferon regulatory factor 2 binding protein 2; minus strand), LOC129932812 (ATAC-STARR-seq lymphoblastoid silent region 1977; plus strand). Cytogenetic location: 1q42.3.
Variant type: single nucleotide variant.
Coding change: c.295C>G on transcript NM_182972.3 (MANE Select); coding-DNA position 295, C replaced by G.
Protein change: p.Leu99Val; replaces leucine 99 with valine.
Molecular consequence: missense variant.
Genome position (GRCh38, 1-based): chr1:234,609,200, G>C on the plus strand (C>G on the coding strand, the complement: IRF2BP2 is on the minus strand). VCF-style: chr1-234609200-G-C. GRCh37 (hg19) VCF-style: chr1-234744946-G-C.
Other names: c.295C>G (NM_182972.2); c.295C>G, p.Leu99Val (NM_001077397.1); short protein forms L99V.
Identifiers: ClinVar variation 1991118 (VCV001991118.5), dbSNP rs1003856547, ClinGen allele CA345311275.
Genomic context (GRCh38, chr1:234,609,200, plus strand): 5'-ACGGGTAGCGCTCCAAGGCCTGCGGCGCGCGCGGGGCCGCCTCGGGGCCGCCGTGGCCAA[G>C]CTGCTGCTGCTGCTGCAAAAGGATGTCCTTGGCGGAGAGCGGCGGCGGCTTGGCGGCGGC-3'
Protein context (NP_892017.2, residues 89-109): KDILLQQQQQ[Leu99Val]GHGGPEAAPR

ClinVar aggregate classification (germline): Uncertain significance. Review status: criteria provided, multiple submitters, no conflicts (2 of 4 stars). 2 submissions from 2 submitters: Uncertain significance (2). Last evaluated 2025-10-29.

Allele frequency attached by ClinVar (database versions not stated): 1000 Genomes Project 30x 0.00031.

Submissions (2):

Ambry Genetics
Classification: Uncertain significance. Last evaluated: 2025-10-29. Review status: criteria provided, single submitter. Criteria: Ambry Variant Classification Scheme 2023. Collection method: clinical testing. Allele origin: germline.

Labcorp Genetics (formerly Invitae), Labcorp
Classification: Uncertain significance. Last evaluated: 2024-02-22. Review status: criteria provided, single submitter. Criteria: Invitae Variant Classification Sherloc (09022015). Collection method: clinical testing. Allele origin: germline.
Comment: This sequence change replaces leucine, which is neutral and non-polar, with valine, which is neutral and non-polar, at codon 99 of the IRF2BP2 protein (p.Leu99Val). This variant is not present in population databases (gnomAD no frequency). This variant has not been reported in the literature in individuals affected with IRF2BP2-related conditions. ClinVar contains an entry for this variant (Variation ID: 1991118). An algorithm developed to predict the effect of missense changes on protein structure and function (PolyPhen-2) suggests that this variant is likely to be disruptive. In summary, the available evidence is currently insufficient to determine the role of this variant in disease. Therefore, it has been classified as a Variant of Uncertain Significance.